The following is an entry in ClinVar:

ClinVar aggregate classification (germline): Likely pathogenic (1 of 4 stars; one submission).

Submission:

GeneDx
Classification: Likely pathogenic. Last evaluated: 2016-07-11. Review status: criteria provided, single submitter. Criteria: GeneDx Variant Classification (06012015). Collection method: clinical testing. Allele origin: germline. Affected: yes.
Comment: The Q32002X likely pathogenic variant in the TTN gene has not been reported previously as a pathogenic variant or as a benign variant, to our knowledge. This variant was not observed in approximately 6,100 individuals of European and African American ancestry in the NHLBI Exome Sequencing Project, indicating it is not a common benign variant in these populations. The Q32002X variant is predicted to cause loss of normal protein function either by protein truncation or nonsense-mediated mRNA decay. The Q32002X variant is located in the M-band region of titin, where loss of function variants are typically associated with autosomal recessive skeletal myopathies. However, it is adjacent to the 3' end of the A-band region of titin, where the majority of loss of function pathogenic variants associated with DCM have been reported (Herman et al., 2012). Furthermore, other truncating TTN variants have been reported in approximately 3% of control alleles (Herman et al., 2012).Therefore, Q32002X variant is likely pathogenic

NM_001267550.2(TTN):c.100927C>T (p.Gln33643Ter)

Genes: TTN (titin; minus strand), TTN-AS1 (TTN antisense RNA 1; plus strand). Cytogenetic location: 2q31.2.
Variant type: single nucleotide variant.
Coding change: c.100927C>T on transcript NM_001267550.2 (MANE Select); coding-DNA position 100927, C replaced by T.
Protein change: p.Gln33643Ter; replaces glutamine 33643 with a stop codon.
Molecular consequence: nonsense.
Genome position (GRCh38, 1-based): chr2:178,535,688, G>A on the plus strand (C>T on the coding strand, the complement: TTN is on the minus strand). VCF-style: chr2-178535688-G-A. GRCh37 (hg19) VCF-style: chr2-179400415-G-A.
Other names: c.96004C>T, p.Gln32002Ter (NM_001256850.1); c.73732C>T, p.Gln24578Ter (NM_003319.4); c.93223C>T, p.Gln31075Ter (NM_133378.4); c.74107C>T, p.Gln24703Ter (NM_133432.3); c.74308C>T, p.Gln24770Ter (NM_133437.4); short protein forms Q32002*, Q33643*, Q24578*, Q24703*, Q24770*, Q31075*.
Identifiers: ClinVar variation 432205 (VCV000432205.2), dbSNP rs1553500506, ClinGen allele CA349422395.